The following is an entry in ClinVar:

NM_133379.5(TTN):c.11066del (p.Val3689fs)

Gene: TTN (titin; minus strand). Cytogenetic location: 2q31.2.
Variant type: Deletion.
Coding change: c.11066del on transcript NM_133379.5 (MANE Plus Clinical); coding-DNA position 11066, one base deleted (T; older notation c.11066delT).
Protein change: p.Val3689fs; shifts the reading frame from valine 3689.
Molecular consequence: frameshift variant. On other transcripts: intron variant (6).
Genome position (GRCh38, 1-based): chr2:178,751,334, A deleted on the plus strand (T on the coding strand, the reverse complement: TTN is on the minus strand). VCF-style (leftmost placement, unchanged base first): chr2-178751333-TA-T. GRCh37 (hg19) VCF-style: chr2-179616060-TA-T.
Other names: c.10222+1790del (NM_003319.4); c.10798+1790del (NM_133437.4); c.10597+1790del (NM_133432.3); c.10360+1790del (NM_133378.4, NM_001256850.1); c.11311+1790del (NM_001267550.2); short protein forms V3689fs.
Identifiers: ClinVar variation 166279 (VCV000166279.5), dbSNP rs727503671, ClinGen allele CA179152.
Genomic context (GRCh38, chr2:178,751,333, plus strand): 5'-TCTAGCCTCCCTTAAACGTTGCAACTTCACTTTGGTCTCCTTGTCCAGGAAACTTTCACC[TA>T]CATTAAGCCAACCTCTTATGTCAGATTTACTTTCTAAATATTCTTCATCATACATGTAAT-3'

ClinVar aggregate classification (germline): Uncertain significance (1 of 4 stars; one submission).

Allele frequency attached by ClinVar (database versions not stated): gnomAD 0.00001.

Submission:

Laboratory for Molecular Medicine, Mass General Brigham Personalized Medicine
Classification: Uncertain significance. Last evaluated: 2013-09-18. Review status: criteria provided, single submitter. Criteria: LMM Criteria. Collection method: clinical testing. Allele origin: germline. Observed: 1 variant allele.
Comment: The Val3689Glufs variant in TTN has not been previously reported in individuals with cardiomyopathy or in large population studies. This frameshift variant is p redicted to alter the protein?s amino acid sequence beginning at position 3689 a nd lead to a premature termination codon 12 amino acids downstream. This alterat ion is then predicted to lead to a truncated or absent protein. Frameshift and o ther truncating variants in TTN are strongly associated with DCM (Herman 2012); however, this variant is located in an exon that is only present in a transcript (Novex-3) whose function is unclear. Additional information is needed to fully assess the clinical significance of this variant.